The following is an entry in ClinVar:

ClinVar aggregate classification (germline): Benign (1 of 4 stars; one submission).

Conditions:
Familial adenomatous polyposis 1 (FAP1). Also called: POLYPOSIS, ADENOMATOUS INTESTINAL; FAMILIAL ADENOMATOUS POLYPOSIS 1, ATTENUATED. Identifiers: MedGen C2713442, MONDO:0021056, OMIM 175100. Disease mechanism: loss of function.

Submission:

Myriad Genetics, Inc.
Classification: Benign for Familial adenomatous polyposis 1. Last evaluated: 2024-03-21. Review status: criteria provided, single submitter. Criteria: Myriad Autosomal Dominant, Autosomal Recessive and X-Linked Classification Criteria (2023). Collection method: clinical testing. Allele origin: unknown.
Comment: This variant is considered benign. This variant is a silent/synonymous amino acid change and it is not expected to impact splicing.

NM_000038.6(APC):c.3657C>T (p.Ser1219=)

Gene: APC (APC regulator of Wnt signaling pathway; plus strand). Cytogenetic location: 5q22.2.
Variant type: single nucleotide variant.
Coding change: c.3657C>T on transcript NM_000038.6 (MANE Select); coding-DNA position 3657, C replaced by T.
Protein change: p.Ser1219=; no amino-acid change (serine 1219 retained).
Molecular consequence: synonymous variant. On other transcripts: non-coding transcript variant (2).
Genome position (GRCh38, 1-based): chr5:112,839,251, C>T. VCF-style: chr5-112839251-C-T. GRCh37 (hg19) VCF-style: chr5-112174948-C-T.
Other names: c.3657C>T, p.Ser1219= (NM_001127510.3, NM_001354895.2, NM_001407450.1); c.3603C>T, p.Ser1201= (NM_001127511.3); c.3711C>T, p.Ser1237= (NM_001354896.2, NM_001407447.1, NM_001407448.1 and 1 more transcripts); c.3687C>T, p.Ser1229= (NM_001354897.2); c.3582C>T, p.Ser1194= (NM_001354898.2); c.3573C>T, p.Ser1191= (NM_001354899.2); c.3534C>T, p.Ser1178= (NM_001354900.2); c.3480C>T, p.Ser1160= (NM_001354901.2, NM_001407453.1); and 11 more.
Identifiers: ClinVar variation 3148205 (VCV003148205.1), dbSNP rs1001469995, ClinGen allele CA445963811.